The following is an entry in ClinVar:

ClinVar aggregate classification (germline): Uncertain significance. Review status: criteria provided, multiple submitters, no conflicts (2 of 4 stars). 2 submissions from 2 submitters: Uncertain significance (2). Last evaluated 2024-12-05.

Conditions:
Hereditary cancer-predisposing syndrome. Also called: Neoplastic Syndromes, Hereditary; Tumor predisposition; Hereditary neoplastic syndrome; Hereditary Cancer Syndrome. Identifiers: Orphanet 140162, MedGen C0027672, MeSH D009386, MONDO:0015356.
Microcephaly, normal intelligence and immunodeficiency (NBS). Also called: Ataxia telangiectasia variant V1; Nijmegen breakage syndrome; Microcephaly with normal intelligence immunodeficiency and lymphoreticular malignancies; Nonsyndromal microcephaly autosomal recessive with normal intelligence; Seemanova syndrome 2; IMMUNODEFICIENCY, MICROCEPHALY, AND CHROMOSOMAL INSTABILITY. Identifiers: Orphanet 647, MedGen C0398791, MONDO:0009623, OMIM 251260.

Allele frequency attached by ClinVar (database versions not stated): gnomAD exomes below 0.00001; ExAC 0.00001.

Submissions (2):

Ambry Genetics
Classification: Uncertain significance for Hereditary cancer-predisposing syndrome. Last evaluated: 2024-12-05. Review status: criteria provided, single submitter. Criteria: Ambry Variant Classification Scheme 2023. Collection method: clinical testing. Allele origin: germline.
Comment: The p.G124E variant (also known as c.371G>A), located in coding exon 4 of the NBN gene, results from a G to A substitution at nucleotide position 371. The glycine at codon 124 is replaced by glutamic acid, an amino acid with similar properties. This amino acid position is not well conserved in available vertebrate species. In addition, this alteration is predicted to be tolerated by in silico analysis. Based on the available evidence, the clinical significance of this variant remains unclear.

Labcorp Genetics (formerly Invitae), Labcorp
Classification: Uncertain significance for Microcephaly, normal intelligence and immunodeficiency. Last evaluated: 2023-02-13. Review status: criteria provided, single submitter. Criteria: Invitae Variant Classification Sherloc (09022015). Collection method: clinical testing. Allele origin: germline.
Comment: This variant has not been reported in the literature in individuals affected with NBN-related conditions. This sequence change replaces glycine, which is neutral and non-polar, with glutamic acid, which is acidic and polar, at codon 124 of the NBN protein (p.Gly124Glu). This variant is not present in population databases (gnomAD no frequency). ClinVar contains an entry for this variant (Variation ID: 239198). Algorithms developed to predict the effect of missense changes on protein structure and function (SIFT, PolyPhen-2, Align-GVGD) all suggest that this variant is likely to be tolerated. In summary, the available evidence is currently insufficient to determine the role of this variant in disease. Therefore, it has been classified as a Variant of Uncertain Significance.

NM_002485.5(NBN):c.371G>A (p.Gly124Glu)

Gene: NBN (nibrin; minus strand). Cytogenetic location: 8q21.3.
Variant type: single nucleotide variant.
Coding change: c.371G>A on transcript NM_002485.5 (MANE Select); coding-DNA position 371, G replaced by A.
Protein change: p.Gly124Glu; replaces glycine 124 with glutamic acid.
Molecular consequence: missense variant.
Genome position (GRCh38, 1-based): chr8:89,980,843, C>T on the plus strand (G>A on the coding strand, the complement: NBN is on the minus strand). VCF-style: chr8-89980843-C-T. GRCh37 (hg19) VCF-style: chr8-90993071-C-T.
Other names: c.125G>A, p.Gly42Glu (NM_001024688.3); short protein forms G124E, G42E.
Identifiers: ClinVar variation 239198 (VCV000239198.9), dbSNP rs781671474, ClinGen allele CA4802989.